The following is an entry in ClinVar:

NM_016203.4(PRKAG2):c.571A>G (p.Ile191Val)

Gene: PRKAG2 (protein kinase AMP-activated non-catalytic subunit gamma 2; minus strand). Cytogenetic location: 7q36.1.
Variant type: single nucleotide variant.
Coding change: c.571A>G on transcript NM_016203.4 (MANE Select); coding-DNA position 571, A replaced by G.
Protein change: p.Ile191Val; replaces isoleucine 191 with valine.
Molecular consequence: missense variant.
Genome position (GRCh38, 1-based): chr7:151,675,533, T>C on the plus strand (A>G on the coding strand, the complement: PRKAG2 is on the minus strand). VCF-style: chr7-151675533-T-C. GRCh37 (hg19) VCF-style: chr7-151372619-T-C.
Other names: c.571A>G (NM_016203.3); c.439A>G, p.Ile147Val (NM_001040633.2); c.199A>G, p.Ile67Val (NM_001304527.2, NM_001363698.2); short protein forms I147V, I67V, I191V.
Identifiers: ClinVar variation 1475811 (VCV001475811.9), dbSNP rs528201736, ClinGen allele CA057544.

ClinVar aggregate classification (germline): Conflicting classifications of pathogenicity. Review status: criteria provided, conflicting classifications (1 of 4 stars). 2 submissions from 2 submitters: Uncertain significance (1); Likely benign (1). Last evaluated 2025-05-13.

Conditions:
Cardiovascular phenotype. Identifiers: MedGen CN230736.
Lethal congenital glycogen storage disease of heart. Also called: GLYCOGEN STORAGE DISEASE OF HEART; PHOSPHORYLASE KINASE DEFICIENCY OF HEART. Identifiers: Orphanet 439854, MedGen C1849813, MONDO:0009867, OMIM 261740.

Allele frequency attached by ClinVar (database versions not stated): gnomAD exomes below 0.00001; ExAC 0.00001; gnomAD 0.00001; 1000 Genomes Project 30x 0.00016; 1000 Genomes Project 0.00020.
gnomAD v4.1: 2 of 1,614,102 alleles (0.00012%); highest among the groups gnomAD compares: African/African-American, 0.0013%; no homozygotes.

Submissions (2):

Labcorp Genetics (formerly Invitae), Labcorp
Classification: Likely benign for Lethal congenital glycogen storage disease of heart. Last evaluated: 2025-05-13. Review status: criteria provided, single submitter. Criteria: Invitae Variant Classification Sherloc (09022015). Collection method: clinical testing. Allele origin: germline.

Ambry Genetics
Classification: Uncertain significance for Cardiovascular phenotype. Last evaluated: 2023-08-25. Review status: criteria provided, single submitter. Criteria: Ambry Variant Classification Scheme 2023. Collection method: clinical testing. Allele origin: germline.
Comment: The p.I191V variant (also known as c.571A>G), located in coding exon 4 of the PRKAG2 gene, results from an A to G substitution at nucleotide position 571. The isoleucine at codon 191 is replaced by valine, an amino acid with highly similar properties. This amino acid position is conserved. In addition, this alteration is predicted to be tolerated by in silico analysis. Since supporting evidence is limited at this time, the clinical significance of this alteration remains unclear.